The following is an entry in ClinVar:

NM_198691.3(KRTAP10-1):c.22G>A (p.Val8Ile)

Genes: KRTAP10-1 (keratin associated protein 10-1; minus strand), TSPEAR (thrombospondin type laminin G domain and EAR repeats; minus strand). Cytogenetic location: 21q22.3.
Variant type: single nucleotide variant.
Coding change: c.22G>A on transcript NM_198691.3 (MANE Select); coding-DNA position 22, G replaced by A.
Protein change: p.Val8Ile; replaces valine 8 with isoleucine.
Molecular consequence: missense variant. On other transcripts: intron variant (2).
Genome position (GRCh38, 1-based): chr21:44,540,129, C>T on the plus strand (G>A on the coding strand, the complement: KRTAP10-1 is on the minus strand). VCF-style: chr21-44540129-C-T. GRCh37 (hg19) VCF-style: chr21-45960012-C-T.
Other names: c.304-6206G>A (NM_144991.3); c.100-6206G>A (NM_001272037.2); short protein forms V8I.
Identifiers: ClinVar variation 376948 (VCV000376948.5), dbSNP rs11910525, ClinGen allele CA10057411.

ClinVar aggregate classification (germline): Likely benign. Review status: criteria provided, multiple submitters, no conflicts (2 of 4 stars). 2 submissions from 2 submitters: Likely benign (2). Last evaluated 2017-01-24.

Allele frequency attached by ClinVar (database versions not stated): gnomAD exomes 0.00202 and 0.00337; ExAC 0.00391; gnomAD 0.00634 and 0.00643; TOPMed 0.00710; ESP Exome Variant Server 0.00730; 1000 Genomes Project 0.00958; 1000 Genomes Project 30x 0.01015.
gnomAD v4.1: 3,977 of 1,613,608 alleles (0.25%); highest among the groups gnomAD compares: African/African-American, 2%; 37 homozygotes.

Submissions (2):

Center for Pediatric Genomic Medicine, Children's Mercy Hospital and Clinics
Classification: Likely benign. Last evaluated: 2017-01-24. Review status: criteria provided, single submitter. Criteria: ACMG Guidelines, 2015. Collection method: clinical testing. Allele origin: germline.
ClinVar note: Converted during submission from Likely Benign to Likely benign.

Breakthrough Genomics
Classification: Likely benign. Review status: criteria provided, single submitter. Criteria: ACMG Guidelines, 2015. Collection method: not provided. Allele origin: germline. Inheritance: Autosomal recessive inheritance. Affected: yes.